The following is an entry in ClinVar:

ClinVar aggregate classification (germline): Uncertain significance. Review status: criteria provided, multiple submitters, no conflicts (2 of 4 stars). 2 submissions from 2 submitters: Uncertain significance (2). Last evaluated 2022-06-22.

Conditions:
Inborn genetic diseases. Identifiers: MedGen C0950123, MeSH D030342.

Allele frequency attached by ClinVar (database versions not stated): gnomAD 0.00002; TOPMed 0.00004.
gnomAD v4.1: 6 of 1,595,822 alleles (0.00038%); highest among the groups gnomAD compares: African/African-American, 0.0067%; no homozygotes.

Submissions (2):

Labcorp Genetics (formerly Invitae), Labcorp
Classification: Uncertain significance. Last evaluated: 2022-06-22. Review status: criteria provided, single submitter. Criteria: Invitae Variant Classification Sherloc (09022015). Collection method: clinical testing. Allele origin: germline.
Comment: This sequence change replaces leucine, which is neutral and non-polar, with valine, which is neutral and non-polar, at codon 97 of the RETREG1 protein (p.Leu97Val). The frequency data for this variant in the population databases is considered unreliable, as metrics indicate poor data quality at this position in the gnomAD database. This variant has not been reported in the literature in individuals affected with RETREG1-related conditions. Algorithms developed to predict the effect of missense changes on protein structure and function (SIFT, PolyPhen-2, Align-GVGD) all suggest that this variant is likely to be tolerated. In summary, the available evidence is currently insufficient to determine the role of this variant in disease. Therefore, it has been classified as a Variant of Uncertain Significance.

Ambry Genetics
Classification: Uncertain significance for Inborn genetic diseases. Last evaluated: 2021-08-14. Review status: criteria provided, single submitter. Criteria: Ambry Variant Classification Scheme 2023. Collection method: clinical testing. Allele origin: germline.
Comment: The p.L97V variant (also known as c.289C>G), located in coding exon 1 of the FAM134B gene, results from a C to G substitution at nucleotide position 289. The leucine at codon 97 is replaced by valine, an amino acid with highly similar properties. This amino acid position is conserved. In addition, this alteration is predicted to be tolerated by in silico analysis. Since supporting evidence is limited at this time, the clinical significance of this alteration remains unclear.

NM_001034850.3(RETREG1):c.289C>G (p.Leu97Val)

Genes: RETREG1 (reticulophagy regulator 1; minus strand), RETREG1-AS1 (RETREG1 antisense RNA 1; plus strand). Cytogenetic location: 5p15.1.
Variant type: single nucleotide variant.
Coding change: c.289C>G on transcript NM_001034850.3 (MANE Select); coding-DNA position 289, C replaced by G.
Protein change: p.Leu97Val; replaces leucine 97 with valine.
Molecular consequence: missense variant.
Genome position (GRCh38, 1-based): chr5:16,616,683, G>C on the plus strand (C>G on the coding strand, the complement: RETREG1 is on the minus strand). VCF-style: chr5-16616683-G-C. GRCh37 (hg19) VCF-style: chr5-16616792-G-C.
Other names: short protein forms L97V.
Identifiers: ClinVar variation 1799718 (VCV001799718.4), dbSNP rs989484098, ClinGen allele CA114976539.
Genomic context (GRCh38, chr5:16,616,683, plus strand): 5'-CAGCGCCCCCACCTTGCCCAAGCTCTCACCAGAACAGCAGGTTGGCAGCGACGAAGCCGA[G>C]CAGGCTCCGCAGCGGCCTCTTCCAGCTCAGCAGCTCGTCGGCGCGGCAGCCCAGCCACAG-3'
Protein context (NP_001030022.1, residues 87-107): LSWKRPLRSL[Leu97Val]GFVAANLLFW